The following is an entry in ClinVar:

NM_001367624.2(ZNF469):c.2477C>G (p.Pro826Arg)

Gene: ZNF469 (zinc finger protein 469; plus strand). Cytogenetic location: 16q24.2.
Variant type: single nucleotide variant.
Coding change: c.2477C>G on transcript NM_001367624.2 (MANE Select); coding-DNA position 2477, C replaced by G.
Protein change: p.Pro826Arg; replaces proline 826 with arginine.
Molecular consequence: missense variant.
Genome position (GRCh38, 1-based): chr16:88,429,947, C>G. VCF-style: chr16-88429947-C-G. GRCh37 (hg19) VCF-style: chr16-88496355-C-G.
Other names: NM_001127464.1:c.2477C>G; short protein forms P826R.
Identifiers: ClinVar variation 1343540 (VCV001343540.3), dbSNP rs772056680, ClinGen allele CA286373708.

ClinVar aggregate classification (germline): Uncertain significance. Review status: criteria provided, multiple submitters, no conflicts (2 of 4 stars). 3 submissions from 3 submitters: Uncertain significance (3). Last evaluated 2024-03-12.

Conditions:
Cardiovascular phenotype. Identifiers: MedGen CN230736.

gnomAD v4.1: 3 of 1,550,210 alleles (0.00019%); highest among the groups gnomAD compares: African/African-American, 0.0041%; no homozygotes.

Submissions (3):

Blueprint Genetics
Classification: Uncertain significance. Last evaluated: 2024-03-12. Review status: criteria provided, single submitter. Criteria: ACMG Guidelines, 2015. Collection method: clinical testing. Allele origin: germline.

Ambry Genetics
Classification: Uncertain significance for Cardiovascular phenotype. Last evaluated: 2023-12-29. Review status: criteria provided, single submitter. Criteria: Ambry Variant Classification Scheme 2023. Collection method: clinical testing. Allele origin: germline.
Comment: The p.P826R variant (also known as c.2477C>G), located in coding exon 1 of the ZNF469 gene, results from a C to G substitution at nucleotide position 2477. The proline at codon 826 is replaced by arginine, an amino acid with dissimilar properties. This amino acid position is conserved. In addition, this alteration is predicted to be tolerated by in silico analysis. Since supporting evidence is limited at this time, the clinical significance of this alteration remains unclear.

Women's Health and Genetics/Laboratory Corporation of America, LabCorp
Classification: Uncertain significance. Last evaluated: 2022-02-25. Review status: criteria provided, single submitter. Criteria: LabCorp Variant Classification Summary - May 2015. Collection method: clinical testing. Allele origin: germline.
Comment: Variant summary: ZNF469 c.2477C>G (p.Pro826Arg) results in a non-conservative amino acid change in the encoded protein sequence. Three of five in-silico tools predict a damaging effect of the variant on protein function. The variant allele was found at a frequency of 1.3e-05 in 151010 control chromosomes (gnomAD v3.1.2). The available data on variant occurrences in the general population are insufficient to allow any conclusion about variant significance. To our knowledge, no occurrence of c.2477C>G in individuals affected with Brittle Cornea Syndrome 1 and no experimental evidence demonstrating its impact on protein function have been reported. One ClinVar submitter has assessed this variant since 2014: the variant was classified as of uncertain significance. Based on the evidence outlined above, the variant was classified as uncertain significance.